The following is an entry in ClinVar:

ClinVar aggregate classification (germline): Benign/Likely benign. Review status: criteria provided, multiple submitters, no conflicts (2 of 4 stars). 4 submissions from 4 submitters: Benign (1); Likely benign (2). 1 of the submissions does not count toward it. Last evaluated 2026-07-01.

Conditions:
PRRT2-Related Disorder. Also called: PRRT2-related disorders. Identifiers: MedGen CN381059.

Submissions (4):

CeGaT Center for Human Genetics Tuebingen
Classification: Likely benign. Last evaluated: 2026-07-01. Review status: criteria provided, single submitter. Criteria: CeGaT Center For Human Genetics Tuebingen Variant Classification Criteria Version 2. Collection method: clinical testing. Allele origin: germline. Affected: yes. Observed: 1 variant allele.
Comment: PRRT2: PM4, BS1

Women's Health and Genetics/Laboratory Corporation of America, LabCorp
Classification: Benign. Last evaluated: 2026-06-10. Review status: criteria provided, single submitter. Criteria: LabCorp Variant Classification Summary - May 2015. Collection method: clinical testing. Allele origin: germline.
Comment: Variant summary: PRRT2 c.1012+71_1012+76delCCCTGC is located at a position not widely known to affect splicing. Consensus agreement among computation tools predict no significant impact on normal splicing. However, these predictions have yet to be confirmed by functional studies. The variant allele was found at a frequency of 0.00013 in 237984 control chromosomes, predominantly at a frequency of 0.0016 within the African or African-American subpopulation in the gnomAD database. The observed variant frequency within African or African-American control individuals in the gnomAD database exceeds the estimated maximal expected allele frequency for disease-causing variants in PRRT2. To our knowledge, no occurrence of c.1012+71_1012+76delCCCTGC in individuals affected with PRRT2-related conditions and no experimental evidence demonstrating its impact on protein function have been reported. ClinVar contains an entry for this variant (Variation ID: 3352278). Based on the evidence outlined above, the variant was classified as benign.

Blueprint Genetics
Classification: Likely benign. Last evaluated: 2024-06-17. Review status: criteria provided, single submitter. Criteria: ACMG Guidelines, 2015. Collection method: clinical testing. Allele origin: germline.

PreventionGenetics, part of Exact Sciences
Classification: Likely benign for PRRT2-related condition. Last evaluated: 2024-03-27. Review status: no assertion criteria provided. Collection method: clinical testing. Allele origin: germline. Not counted in ClinVar's aggregate classification.
Comment: This variant is classified as likely benign based on ACMG/AMP sequence variant interpretation guidelines (Richards et al. 2015 PMID: 25741868, with internal and published modifications).

NM_145239.3(PRRT2):c.1012+71_1012+76del

Genes: MVP-DT (MVP divergent transcript; minus strand), PRRT2 (proline rich transmembrane protein 2; plus strand). Cytogenetic location: 16p11.2.
Variant type: Microsatellite.
Coding change: c.1012+71_1012+76del on transcript NM_145239.3 (MANE Select); bases 71 to 76 of the intron after coding-DNA position 1012, 6 bases deleted (CCCTGC; older notation c.1012+71_1012+76delCCCTGC).
Molecular consequence: intron variant. On other transcripts: inframe deletion (1), 3 prime UTR variant (1).
Genome position (GRCh38, 1-based): chr16:29,814,536-29,814,541, CCCTGC deleted; deleting any 6 consecutive bases within chr16:29,814,529-29,814,541 gives the same sequence; the c. name uses the placement nearest the transcript's 3' end. VCF-style (leftmost placement, unchanged base first): chr16-29814528-ACCCCTG-A. GRCh37 (hg19) VCF-style: chr16-29825849-ACCCCTG-A.
Other names: c.1012+71_1012+76delCCCTGC (NM_145239.3); c.1077CCCTGC[1], p.360PA[1] (NM_001256442.2); c.*576CCCTGC[1] (NM_001256443.2).
Identifiers: ClinVar variation 3352278 (VCV003352278.4).